The following is an entry in ClinVar:

NM_001105206.3(LAMA4):c.2576C>T (p.Thr859Met)

Gene: LAMA4 (laminin subunit alpha 4; minus strand). Cytogenetic location: 6q21.
Variant type: single nucleotide variant.
Coding change: c.2576C>T on transcript NM_001105206.3 (MANE Select); coding-DNA position 2576, C replaced by T.
Protein change: p.Thr859Met; replaces threonine 859 with methionine.
Molecular consequence: missense variant.
Genome position (GRCh38, 1-based): chr6:112,142,210, G>A on the plus strand (C>T on the coding strand, the complement: LAMA4 is on the minus strand). VCF-style: chr6-112142210-G-A. GRCh37 (hg19) VCF-style: chr6-112463412-G-A.
Other names: c.2555C>T, p.Thr852Met (NM_001105207.3, NM_002290.5); short protein forms T852M, T859M.
Identifiers: ClinVar variation 180390 (VCV000180390.8), dbSNP rs730880121, ClinGen allele CA346403.

ClinVar aggregate classification (germline): Uncertain significance. Review status: criteria provided, multiple submitters, no conflicts (2 of 4 stars). 5 submissions from 5 submitters: Uncertain significance (2). 3 of the submissions do not count toward it. Last evaluated 2025-01-06.

Conditions:
Dilated cardiomyopathy 1JJ (CMD1JJ). Identifiers: Orphanet 154, MedGen C3808935, MONDO:0014095, OMIM 615235.

Allele frequency attached by ClinVar (database versions not stated): gnomAD 0.00001; gnomAD exomes 0.00001 and 0.00002; TOPMed 0.00001; ExAC 0.00002.
gnomAD v4.1: 16 of 1,613,946 alleles (0.00099%); highest among the groups gnomAD compares: Admixed American, 0.0033%; no homozygotes.

Submissions (5):

Labcorp Genetics (formerly Invitae), Labcorp
Classification: Uncertain significance for Dilated cardiomyopathy 1JJ. Last evaluated: 2025-01-06. Review status: criteria provided, single submitter. Criteria: Invitae Variant Classification Sherloc (09022015). Collection method: clinical testing. Allele origin: germline.
Comment: This sequence change replaces threonine, which is neutral and polar, with methionine, which is neutral and non-polar, at codon 852 of the LAMA4 protein (p.Thr852Met). This variant is present in population databases (rs730880121, gnomAD 0.006%). This variant has not been reported in the literature in individuals affected with LAMA4-related conditions. ClinVar contains an entry for this variant (Variation ID: 180390). Invitae Evidence Modeling of protein sequence and biophysical properties (such as structural, functional, and spatial information, amino acid conservation, physicochemical variation, residue mobility, and thermodynamic stability) indicates that this missense variant is not expected to disrupt LAMA4 protein function with a negative predictive value of 80%. In summary, the available evidence is currently insufficient to determine the role of this variant in disease. Therefore, it has been classified as a Variant of Uncertain Significance.

Blueprint Genetics
Classification: Uncertain significance. Last evaluated: 2024-10-22. Review status: criteria provided, single submitter. Criteria: ACMG Guidelines, 2015. Collection method: clinical testing. Allele origin: germline.

Clinical Genetics DNA and cytogenetics Diagnostics Lab, Erasmus MC, Erasmus Medical Center
Classification: Uncertain significance. Review status: no assertion criteria provided. Collection method: clinical testing. Allele origin: germline. Affected: yes. Study: VKGL Data-share Consensus. Not counted in ClinVar's aggregate classification.

Clinical Genetics, Academic Medical Center
Classification: Uncertain significance. Review status: no assertion criteria provided. Collection method: clinical testing. Allele origin: germline. Affected: yes. Study: VKGL Data-share Consensus. Not counted in ClinVar's aggregate classification.

Diagnostic Laboratory, Department of Genetics, University Medical Center Groningen
Classification: Uncertain significance for Dilated cardiomyopathy 1JJ. Review status: no assertion criteria provided. Collection method: clinical testing. Allele origin: germline. Affected: yes. Study: VKGL Data-share Consensus. Not counted in ClinVar's aggregate classification.